The following is an entry in ClinVar:

NM_002528.7(NTHL1):c.575A>G (p.Tyr192Cys)

Gene: NTHL1 (nth like DNA glycosylase 1; minus strand). Cytogenetic location: 16p13.3.
Variant type: single nucleotide variant.
Coding change: c.575A>G on transcript NM_002528.7 (MANE Select); coding-DNA position 575, A replaced by G.
Protein change: p.Tyr192Cys; replaces tyrosine 192 with cysteine.
Molecular consequence: missense variant.
Genome position (GRCh38, 1-based): chr16:2,043,677, T>C on the plus strand (A>G on the coding strand, the complement: NTHL1 is on the minus strand). VCF-style: chr16-2043677-T-C. GRCh37 (hg19) VCF-style: chr16-2093678-T-C.
Other names: c.404A>G, p.Tyr135Cys (NM_001318193.2); c.245A>G, p.Tyr82Cys (NM_001318194.2); short protein forms Y82C, Y135C, Y192C.
Identifiers: ClinVar variation 2201788 (VCV002201788.4), dbSNP rs2150941363, ClinGen allele CA394291967.

ClinVar aggregate classification (germline): Uncertain significance (1 of 4 stars; one submission).

Submission:

Labcorp Genetics (formerly Invitae), Labcorp
Classification: Uncertain significance. Last evaluated: 2022-11-01. Review status: criteria provided, single submitter. Criteria: Invitae Variant Classification Sherloc (09022015). Collection method: clinical testing. Allele origin: germline.
Comment: This variant is not present in population databases (gnomAD no frequency). This sequence change replaces tyrosine, which is neutral and polar, with cysteine, which is neutral and slightly polar, at codon 200 of the NTHL1 protein (p.Tyr200Cys). This variant has not been reported in the literature in individuals affected with NTHL1-related conditions. Algorithms developed to predict the effect of missense changes on protein structure and function are either unavailable or do not agree on the potential impact of this missense change (SIFT: "Not Available"; PolyPhen-2: "Probably Damaging"; Align-GVGD: "Not Available"). In summary, the available evidence is currently insufficient to determine the role of this variant in disease. Therefore, it has been classified as a Variant of Uncertain Significance.